The following is an entry in ClinVar:

ClinVar aggregate classification (germline): Uncertain significance (1 of 4 stars; one submission).

Conditions:
Inborn genetic diseases. Identifiers: MedGen C0950123, MeSH D030342.

Submission:

Ambry Genetics
Classification: Uncertain significance for Inborn genetic diseases. Last evaluated: 2022-03-14. Review status: criteria provided, single submitter. Criteria: Ambry Variant Classification Scheme 2023. Collection method: clinical testing. Allele origin: germline.
Comment: The p.P1106T variant (also known as c.3316C>A), located in coding exon 16 of the ATR gene, results from a C to A substitution at nucleotide position 3316. The proline at codon 1106 is replaced by threonine, an amino acid with highly similar properties. This amino acid position is conserved. In addition, this alteration is predicted to be tolerated by in silico analysis. Since supporting evidence is limited at this time, the clinical significance of this alteration remains unclear.

NM_001184.4(ATR):c.3316C>A (p.Pro1106Thr)

Gene: ATR (ATR checkpoint kinase; minus strand). Cytogenetic location: 3q23.
Variant type: single nucleotide variant.
Coding change: c.3316C>A on transcript NM_001184.4 (MANE Select); coding-DNA position 3316, C replaced by A.
Protein change: p.Pro1106Thr; replaces proline 1106 with threonine.
Molecular consequence: missense variant.
Genome position (GRCh38, 1-based): chr3:142,547,766, G>T on the plus strand (C>A on the coding strand, the complement: ATR is on the minus strand). VCF-style: chr3-142547766-G-T. GRCh37 (hg19) VCF-style: chr3-142266608-G-T.
Other names: c.3124C>A, p.Pro1042Thr (NM_001354579.2); short protein forms P1042T, P1106T.
Identifiers: ClinVar variation 1730136 (VCV001730136.2), dbSNP rs1183775791, ClinGen allele CA354810444.